The following is an entry in ClinVar:

NM_002880.4(RAF1):c.1695T>C (p.Tyr565=)

Gene: RAF1 (Raf-1 proto-oncogene, serine/threonine kinase; minus strand). Cytogenetic location: 3p25.2.
Variant type: single nucleotide variant.
Coding change: c.1695T>C on transcript NM_002880.4 (MANE Select); coding-DNA position 1695, T replaced by C.
Protein change: p.Tyr565=; no amino-acid change (tyrosine 565 retained).
Molecular consequence: synonymous variant. On other transcripts: non-coding transcript variant (3).
Genome position (GRCh38, 1-based): chr3:12,584,955, A>G on the plus strand (T>C on the coding strand, the complement: RAF1 is on the minus strand). VCF-style: chr3-12584955-A-G. GRCh37 (hg19) VCF-style: chr3-12626454-A-G.
Other names: c.1755T>C, p.Tyr585= (NM_001354689.3); c.1695T>C, p.Tyr565= (NM_001354690.3); c.1452T>C, p.Tyr484= (NM_001354691.3, NM_001354692.3); c.1596T>C, p.Tyr532= (NM_001354693.3); c.1512T>C, p.Tyr504= (NM_001354694.3); c.1353T>C, p.Tyr451= (NM_001354695.3).
Identifiers: ClinVar variation 44622 (VCV000044622.8), dbSNP rs397516817, ClinGen allele CA134706.

ClinVar aggregate classification (germline): Likely benign. Review status: criteria provided, multiple submitters, no conflicts (2 of 4 stars). 2 submissions from 2 submitters: Likely benign (2). Last evaluated 2023-06-09.

Conditions:
RASopathy. Also called: rasopathies; Noonan spectrum disorder. Identifiers: Orphanet 536391, MedGen C5555857, MONDO:0021060.

Allele frequency attached by ClinVar (database versions not stated): TOPMed 0.00001.

Submissions (2):

Labcorp Genetics (formerly Invitae), Labcorp
Classification: Likely benign for RASopathy. Last evaluated: 2023-06-09. Review status: criteria provided, single submitter. Criteria: Invitae Variant Classification Sherloc (09022015). Collection method: clinical testing. Allele origin: germline.

Laboratory for Molecular Medicine, Mass General Brigham Personalized Medicine
Classification: Likely benign. Last evaluated: 2011-03-07. Review status: criteria provided, single submitter. Criteria: LMM Criteria. Collection method: clinical testing. Allele origin: germline. Observed: 1 variant allele.
Comment: This variant is not expected to have clinical significance because it does not a lter an amino acid residue and is not located near a splice junction.